The following is an entry in ClinVar:

NM_001783.4(CD79A):c.466G>A (p.Ala156Thr)

Genes: CD79A (CD79a molecule; plus strand), RPS19-CD79A (RPS19-CD79A readthrough; plus strand). Cytogenetic location: 19q13.2.
Variant type: single nucleotide variant.
Coding change: c.466G>A on transcript NM_001783.4 (MANE Select); coding-DNA position 466, G replaced by A.
Protein change: p.Ala156Thr; replaces alanine 156 with threonine.
Molecular consequence: missense variant.
Genome position (GRCh38, 1-based): chr19:41,879,621, G>A. VCF-style: chr19-41879621-G-A. GRCh37 (hg19) VCF-style: chr19-42383691-G-A.
Other names: c.352G>A, p.Ala118Thr (NM_021601.4); short protein forms A118T, A156T.
Identifiers: ClinVar variation 1373597 (VCV001373597.4), dbSNP rs782150073, ClinGen allele CA9465622.

ClinVar aggregate classification (germline): Uncertain significance (1 of 4 stars; one submission).

Conditions:
Agammaglobulinemia 3, autosomal recessive (AGM3). Also called: AGAMMAGLOBULINEMIA 3; AGAMMAGLOBULINEMIA, AUTOSOMAL RECESSIVE, DUE TO CD79A DEFECT. Identifiers: MedGen C3150751, MONDO:0013288, OMIM 613501.

Allele frequency attached by ClinVar (database versions not stated): ExAC 0.00001; gnomAD exomes 0.00001 and 0.00002; gnomAD 0.00006; TOPMed 0.00011.

Submission:

Labcorp Genetics (formerly Invitae), Labcorp
Classification: Uncertain significance for Agammaglobulinemia 3, autosomal recessive. Last evaluated: 2023-11-27. Review status: criteria provided, single submitter. Criteria: Invitae Variant Classification Sherloc (09022015). Collection method: clinical testing. Allele origin: germline.
Comment: This sequence change replaces alanine, which is neutral and non-polar, with threonine, which is neutral and polar, at codon 156 of the CD79A protein (p.Ala156Thr). This variant is present in population databases (rs782150073, gnomAD 0.01%). This variant has not been reported in the literature in individuals affected with CD79A-related conditions. ClinVar contains an entry for this variant (Variation ID: 1373597). An algorithm developed to predict the effect of missense changes on protein structure and function (PolyPhen-2) suggests that this variant is likely to be disruptive. In summary, the available evidence is currently insufficient to determine the role of this variant in disease. Therefore, it has been classified as a Variant of Uncertain Significance.